The following is an entry in ClinVar:

ClinVar aggregate classification (germline): Uncertain significance (1 of 4 stars; one submission).

Conditions:
Hereditary cancer-predisposing syndrome. Also called: Neoplastic Syndromes, Hereditary; Tumor predisposition; Hereditary Cancer Syndrome; Hereditary neoplastic syndrome. Identifiers: Orphanet 140162, MedGen C0027672, MeSH D009386, MONDO:0015356.

Submission:

Ambry Genetics
Classification: Uncertain significance for Hereditary cancer-predisposing syndrome. Last evaluated: 2024-12-08. Review status: criteria provided, single submitter. Criteria: Ambry Variant Classification Scheme 2023. Collection method: clinical testing. Allele origin: germline.
Comment: The p.K187Q variant (also known as c.559A>C), located in coding exon 4 of the NTHL1 gene, results from an A to C substitution at nucleotide position 559. The lysine at codon 187 is replaced by glutamine, an amino acid with similar properties. This amino acid position is conserved. In addition, this alteration is predicted to be tolerated by in silico analysis. Based on the available evidence, the clinical significance of this variant remains unclear.

NM_002528.7(NTHL1):c.535A>C (p.Lys179Gln)

Gene: NTHL1 (nth like DNA glycosylase 1; minus strand). Cytogenetic location: 16p13.3.
Variant type: single nucleotide variant.
Coding change: c.535A>C on transcript NM_002528.7 (MANE Select); coding-DNA position 535, A replaced by C.
Protein change: p.Lys179Gln; replaces lysine 179 with glutamine.
Molecular consequence: missense variant.
Genome position (GRCh38, 1-based): chr16:2,043,717, T>G on the plus strand (A>C on the coding strand, the complement: NTHL1 is on the minus strand). VCF-style: chr16-2043717-T-G. GRCh37 (hg19) VCF-style: chr16-2093718-T-G.
Other names: c.364A>C, p.Lys122Gln (NM_001318193.2); c.205A>C, p.Lys69Gln (NM_001318194.2); short protein forms K69Q, K122Q, K179Q.
Identifiers: ClinVar variation 3408231 (VCV003408231.1).
Genomic context (GRCh38, chr16:2,043,717, plus strand): 5'-AGGCTGGGATGTCCCCACCGTAGTGCTGCTGCAGGATGGCGCTGGTCTGCTTGATGTATT[T>G]CACCTTGCTCTGAAAGACAGGGGTGGGTTCAGCCTTGGAGGCAAGGGCACAGCCCAACCT-3'
Protein context (NP_002519.2, residues 169-189): YPVGFWRSKV[Lys179Gln]YIKQTSAILQ